The following is an entry in ClinVar:

ClinVar aggregate classification (germline): Uncertain significance (1 of 4 stars; one submission).

Allele frequency attached by ClinVar (database versions not stated): gnomAD exomes below 0.00001; gnomAD 0.00001; TOPMed 0.00001.
gnomAD v4.1: 7 of 1,613,836 alleles (0.00043%); highest among the groups gnomAD compares: Non-Finnish European, 0.00059%; no homozygotes.

Submission:

Labcorp Genetics (formerly Invitae), Labcorp
Classification: Uncertain significance. Last evaluated: 2023-09-11. Review status: criteria provided, single submitter. Criteria: Invitae Variant Classification Sherloc (09022015). Collection method: clinical testing. Allele origin: germline.
Comment: In summary, the available evidence is currently insufficient to determine the role of this variant in disease. Therefore, it has been classified as a Variant of Uncertain Significance. Advanced modeling of protein sequence and biophysical properties (such as structural, functional, and spatial information, amino acid conservation, physicochemical variation, residue mobility, and thermodynamic stability) performed at Invitae indicates that this missense variant is not expected to disrupt CSF2RB protein function. This variant has not been reported in the literature in individuals affected with CSF2RB-related conditions. This variant is present in population databases (no rsID available, gnomAD 0.007%). This sequence change replaces serine, which is neutral and polar, with proline, which is neutral and non-polar, at codon 807 of the CSF2RB protein (p.Ser807Pro).

NM_000395.3(CSF2RB):c.2419T>C (p.Ser807Pro)

Gene: CSF2RB (colony stimulating factor 2 receptor subunit beta; plus strand). Cytogenetic location: 22q12.3.
Variant type: single nucleotide variant.
Coding change: c.2419T>C on transcript NM_000395.3 (MANE Select); coding-DNA position 2419, T replaced by C.
Protein change: p.Ser807Pro; replaces serine 807 with proline.
Molecular consequence: missense variant.
Genome position (GRCh38, 1-based): chr22:36,938,227, T>C. VCF-style: chr22-36938227-T-C. GRCh37 (hg19) VCF-style: chr22-37334269-T-C.
Other names: c.2437T>C, p.Ser813Pro (NM_001410827.1); short protein forms S813P, S807P.
Identifiers: ClinVar variation 2859681 (VCV002859681.3), dbSNP rs1157933000, ClinGen allele CA411411456.